The following is an entry in ClinVar:

NM_000218.3(KCNQ1):c.1400A>G (p.Lys467Arg)

Genes: KCNQ1 (potassium voltage-gated channel subfamily Q member 1; plus strand), KCNQ1OT1 (KCNQ1 opposite strand/antisense transcript 1; minus strand). Cytogenetic location: 11p15.5.
Variant type: single nucleotide variant.
Coding change: c.1400A>G on transcript NM_000218.3 (MANE Select); coding-DNA position 1400, A replaced by G.
Protein change: p.Lys467Arg; replaces lysine 467 with arginine.
Molecular consequence: missense variant. On other transcripts: non-coding transcript variant (1).
Genome position (GRCh38, 1-based): chr11:2,661,967, A>G. VCF-style: chr11-2661967-A-G. GRCh37 (hg19) VCF-style: chr11-2683197-A-G.
Other names: c.860A>G, p.Lys287Arg (NM_001406838.1); c.1019A>G, p.Lys340Arg (NM_181798.2); c.1304A>G, p.Lys435Arg (NM_001406836.1); c.1130A>G, p.Lys377Arg (NM_001406837.1); short protein forms K287R, K340R, K377R, K435R, K467R.
Identifiers: ClinVar variation 4757108 (VCV004757108.1).

ClinVar aggregate classification (germline): Uncertain significance (1 of 4 stars; one submission).

Conditions:
Cardiac arrhythmia. Also called: Arrhythmia; Cardiac rhythm disease. Identifiers: MedGen C0003811, MONDO:0007263, HP:0011675.

gnomAD v4.1: 3 of 1,614,174 alleles (0.00019%); highest among the groups gnomAD compares: South Asian, 0.0022%; no homozygotes.

Submission:

Color Diagnostics, LLC DBA Color Health
Classification: Uncertain significance for Cardiac arrhythmia. Last evaluated: 2025-06-26. Review status: criteria provided, single submitter. Criteria: ACMG Guidelines, 2015. Collection method: clinical testing. Allele origin: germline.
Comment: This missense variant replaces lysine with arginine at codon 467 of the KCNQ1 protein. Computational prediction is inconclusive regarding the impact of this variant on protein structure and function. To our knowledge, functional studies have not been reported for this variant. This variant has not been reported in individuals affected with KCNQ1-related disorders in the literature. This variant has been identified in 1/251420 chromosomes in the general population by the Genome Aggregation Database (gnomAD). The available evidence is insufficient to determine the role of this variant in disease conclusively. Therefore, this variant is classified as a Variant of Uncertain Significance.